The following is an entry in ClinVar:

ClinVar aggregate classification (germline): Uncertain significance. Review status: criteria provided, multiple submitters, no conflicts (2 of 4 stars). 2 submissions from 2 submitters: Uncertain significance (2). Last evaluated 2025-06-25.

Conditions:
Inborn genetic diseases. Identifiers: MedGen C0950123, MeSH D030342.

Allele frequency attached by ClinVar (database versions not stated): ExAC 0.00001; gnomAD 0.00001; gnomAD exomes 0.00001 and 0.00002; TOPMed 0.00001.
gnomAD v4.1: 22 of 1,614,058 alleles (0.0014%); highest among the groups gnomAD compares: Middle Eastern, 0.017%; no homozygotes.

Submissions (2):

Labcorp Genetics (formerly Invitae), Labcorp
Classification: Uncertain significance. Last evaluated: 2025-06-25. Review status: criteria provided, single submitter. Criteria: Invitae Variant Classification Sherloc (09022015). Collection method: clinical testing. Allele origin: germline.
Comment: This sequence change replaces cysteine, which is neutral and slightly polar, with tryptophan, which is neutral and slightly polar, at codon 711 of the INTU protein (p.Cys711Trp). This variant is present in population databases (rs781734583, gnomAD 0.003%). This variant has not been reported in the literature in individuals affected with INTU-related conditions. ClinVar contains an entry for this variant (Variation ID: 1406579). Invitae Evidence Modeling of protein sequence and biophysical properties (such as structural, functional, and spatial information, amino acid conservation, physicochemical variation, residue mobility, and thermodynamic stability) indicates that this missense variant is not expected to disrupt INTU protein function with a negative predictive value of 80%. In summary, the available evidence is currently insufficient to determine the role of this variant in disease. Therefore, it has been classified as a Variant of Uncertain Significance.

Ambry Genetics
Classification: Uncertain significance for Inborn genetic diseases. Last evaluated: 2023-06-06. Review status: criteria provided, single submitter. Criteria: Ambry Variant Classification Scheme 2023. Collection method: clinical testing. Allele origin: germline.

NM_015693.4(INTU):c.2133T>G (p.Cys711Trp)

Gene: INTU (inturned planar cell polarity protein; plus strand). Cytogenetic location: 4q28.1.
Variant type: single nucleotide variant.
Coding change: c.2133T>G on transcript NM_015693.4 (MANE Select); coding-DNA position 2133, T replaced by G.
Protein change: p.Cys711Trp; replaces cysteine 711 with tryptophan.
Molecular consequence: missense variant.
Genome position (GRCh38, 1-based): chr4:127,706,831, T>G. VCF-style: chr4-127706831-T-G. GRCh37 (hg19) VCF-style: chr4-128627986-T-G.
Other names: c.2133T>G (NM_015693.3); short protein forms C711W.
Identifiers: ClinVar variation 1406579 (VCV001406579.8), dbSNP rs781734583, ClinGen allele CA3075255.